The following is an entry in ClinVar:

ClinVar aggregate classification (germline): Uncertain significance (1 of 4 stars; one submission).

Allele frequency attached by ClinVar (database versions not stated): gnomAD exomes below 0.00001.
gnomAD v4.1: 3 of 1,614,036 alleles (0.00019%); highest among the groups gnomAD compares: Admixed American, 0.005%; no homozygotes.

Submission:

Labcorp Genetics (formerly Invitae), Labcorp
Classification: Uncertain significance. Last evaluated: 2022-07-21. Review status: criteria provided, single submitter. Criteria: Invitae Variant Classification Sherloc (09022015). Collection method: clinical testing. Allele origin: germline.
Comment: This sequence change replaces arginine, which is basic and polar, with serine, which is neutral and polar, at codon 277 of the ORC1 protein (p.Arg277Ser). This variant is not present in population databases (gnomAD no frequency). This variant has not been reported in the literature in individuals affected with ORC1-related conditions. Algorithms developed to predict the effect of missense changes on protein structure and function are either unavailable or do not agree on the potential impact of this missense change (SIFT: "Deleterious"; PolyPhen-2: "Benign"; Align-GVGD: "Class C35"). In summary, the available evidence is currently insufficient to determine the role of this variant in disease. Therefore, it has been classified as a Variant of Uncertain Significance.

NM_004153.4(ORC1):c.831A>T (p.Arg277Ser)

Gene: ORC1 (origin recognition complex subunit 1; minus strand). Cytogenetic location: 1p32.3.
Variant type: single nucleotide variant.
Coding change: c.831A>T on transcript NM_004153.4 (MANE Select); coding-DNA position 831, A replaced by T.
Protein change: p.Arg277Ser; replaces arginine 277 with serine.
Molecular consequence: missense variant.
Genome position (GRCh38, 1-based): chr1:52,393,694, T>A on the plus strand (A>T on the coding strand, the complement: ORC1 is on the minus strand). VCF-style: chr1-52393694-T-A. GRCh37 (hg19) VCF-style: chr1-52859366-T-A.
Other names: c.831A>T, p.Arg277Ser (NM_001190818.2, NM_001190819.2); short protein forms R277S.
Identifiers: ClinVar variation 1921116 (VCV001921116.2), dbSNP rs2524150975, ClinGen allele CA340359507.